The following is an entry in ClinVar:

ClinVar aggregate classification (germline): Uncertain significance. Review status: criteria provided, multiple submitters, no conflicts (2 of 4 stars). 2 submissions from 2 submitters: Uncertain significance (2). Last evaluated 2025-11-20.

Conditions:
MHC class I deficiency. Identifiers: Orphanet 34592, MedGen C6024714, MONDO:0011476.

Allele frequency attached by ClinVar (database versions not stated): TOPMed 0.00002; gnomAD exomes 0.00009 and 0.00002; ExAC 0.00013; gnomAD 0.00001.

Submissions (2):

Ambry Genetics
Classification: Uncertain significance. Last evaluated: 2025-11-20. Review status: criteria provided, single submitter. Criteria: Ambry Variant Classification Scheme 2023. Collection method: clinical testing. Allele origin: germline.

Labcorp Genetics (formerly Invitae), Labcorp
Classification: Uncertain significance for MHC class I deficiency 1. Last evaluated: 2025-07-20. Review status: criteria provided, single submitter. Criteria: Invitae Variant Classification Sherloc (09022015). Collection method: clinical testing. Allele origin: germline.
Comment: This sequence change replaces cysteine, which is neutral and slightly polar, with serine, which is neutral and polar, at codon 115 of the TAPBP protein (p.Cys115Ser). This variant is present in population databases (rs754776791, gnomAD 0.07%), and has an allele count higher than expected for a pathogenic variant. This variant has not been reported in the literature in individuals affected with TAPBP-related conditions. ClinVar contains an entry for this variant (Variation ID: 1430599). An algorithm developed to predict the effect of missense changes on protein structure and function outputs the following: PolyPhen-2: "Possibly Damaging". The serine amino acid residue is found in multiple mammalian species, which suggests that this missense change does not adversely affect protein function. In summary, the available evidence is currently insufficient to determine the role of this variant in disease. Therefore, it has been classified as a Variant of Uncertain Significance.

NM_003190.5(TAPBP):c.344G>C (p.Cys115Ser)

Gene: TAPBP (TAP binding protein; minus strand). Cytogenetic location: 6p21.32.
Variant type: single nucleotide variant.
Coding change: c.344G>C on transcript NM_003190.5 (MANE Select); coding-DNA position 344, G replaced by C.
Protein change: p.Cys115Ser; replaces cysteine 115 with serine.
Molecular consequence: missense variant. On other transcripts: intron variant (1).
Genome position (GRCh38, 1-based): chr6:33,313,342, C>G on the plus strand (G>C on the coding strand, the complement: TAPBP is on the minus strand). VCF-style: chr6-33313342-C-G. GRCh37 (hg19) VCF-style: chr6-33281119-C-G.
Other names: c.344G>C (NM_003190.4); c.344G>C, p.Cys115Ser (NM_172208.3); c.208+352G>C (NM_172209.3); short protein forms C115S.
Identifiers: ClinVar variation 1430599 (VCV001430599.10), dbSNP rs754776791, ClinGen allele CA3755908.